The following is an entry in ClinVar:

NM_015021.3(ZNF292):c.5920T>C (p.Phe1974Leu)

Gene: ZNF292 (zinc finger protein 292; plus strand). Cytogenetic location: 6q14.3.
Variant type: single nucleotide variant.
Coding change: c.5920T>C on transcript NM_015021.3 (MANE Select); coding-DNA position 5920, T replaced by C.
Protein change: p.Phe1974Leu; replaces phenylalanine 1974 with leucine.
Molecular consequence: missense variant.
Genome position (GRCh38, 1-based): chr6:87,259,549, T>C. VCF-style: chr6-87259549-T-C. GRCh37 (hg19) VCF-style: chr6-87969267-T-C.
Other names: c.5500T>C, p.Phe1834Leu (NM_001351444.2); short protein forms F1834L, F1974L.
Identifiers: ClinVar variation 3367092 (VCV003367092.1).

ClinVar aggregate classification (germline): Uncertain significance (1 of 4 stars; one submission).

Conditions:
Intellectual developmental disorder, autosomal dominant 64. Also called: MENTAL RETARDATION, AUTOSOMAL DOMINANT 64. Identifiers: MedGen C5543067, MONDO:0030934, OMIM 619188.

Submission:

Neuberg Centre For Genomic Medicine, NCGM
Classification: Uncertain significance for Intellectual developmental disorder, autosomal dominant 64. Last evaluated: 2023-05-20. Review status: criteria provided, single submitter. Criteria: ACMG Guidelines, 2015. Collection method: clinical testing. Allele origin: germline. Inheritance: Autosomal dominant inheritance. Affected: yes.
Comment: The missense variant c.5920T>C (p.Phe1974Leu) in the ZNF292 gene has not been reported previously as a pathogenic variant nor as a benign variant, to our knowledge. This variant is absent in the gnomAD Exomes. The amino acid Phenylalanine at position 1974 is changed to a Leucine changing protein sequence and it might alter its composition and physico-chemical properties. Computational evidence (Polyphen, SIFT and MutationTaster) predicts conflicting evidence on protein structure and function for this variant. The amino acid change p.Phe1974Leu in ZNF292 is predicted as conserved by GERP++ and PhyloP across 100 vertebrates. For these reasons, this variant has been classified as Uncertain Significance.